The following is an entry in ClinVar:

NM_000642.3(AGL):c.3778A>T (p.Met1260Leu)

Gene: AGL (amylo-alpha-1,6-glucosidase and 4-alpha-glucanotransferase; plus strand). Cytogenetic location: 1p21.2.
Variant type: single nucleotide variant.
Coding change: c.3778A>T on transcript NM_000642.3 (MANE Select); coding-DNA position 3778, A replaced by T.
Protein change: p.Met1260Leu; replaces methionine 1260 with leucine.
Molecular consequence: missense variant.
Genome position (GRCh38, 1-based): chr1:99,910,789, A>T. VCF-style: chr1-99910789-A-T. GRCh37 (hg19) VCF-style: chr1-100376345-A-T.
Other names: c.3778A>T, p.Met1260Leu (NM_000028.3, NM_000643.3, NM_000644.3 and 1 more transcripts); c.3730A>T, p.Met1244Leu (NM_000646.3); c.3757A>T, p.Met1253Leu (NM_001425326.1); c.3577A>T, p.Met1193Leu (NM_001425327.1); c.3574A>T, p.Met1192Leu (NM_001425328.1); c.3439A>T, p.Met1147Leu (NM_001425329.1); c.3400A>T, p.Met1134Leu (NM_001425332.1); short protein forms M1260L, M1244L, M1134L, M1147L, M1192L, M1193L, M1253L.
Identifiers: ClinVar variation 1523602 (VCV001523602.8), dbSNP rs2100849258, ClinGen allele CA341337802.

ClinVar aggregate classification (germline): Uncertain significance (1 of 4 stars; one submission).

Conditions:
Glycogen storage disease type III (GSD3). Also called: Cori disease; FORBES DISEASE. Identifiers: Orphanet 366, MedGen C0017922, MONDO:0009291, OMIM 232400.

Allele frequency attached by ClinVar (database versions not stated): gnomAD exomes 0.00001.

Submission:

Labcorp Genetics (formerly Invitae), Labcorp
Classification: Uncertain significance for Glycogen storage disease type III. Last evaluated: 2023-09-19. Review status: criteria provided, single submitter. Criteria: Invitae Variant Classification Sherloc (09022015). Collection method: clinical testing. Allele origin: germline.
Comment: This sequence change replaces methionine, which is neutral and non-polar, with leucine, which is neutral and non-polar, at codon 1260 of the AGL protein (p.Met1260Leu). This variant is not present in population databases (gnomAD no frequency). This variant has not been reported in the literature in individuals affected with AGL-related conditions. ClinVar contains an entry for this variant (Variation ID: 1523602). Advanced modeling of protein sequence and biophysical properties (such as structural, functional, and spatial information, amino acid conservation, physicochemical variation, residue mobility, and thermodynamic stability) performed at Invitae indicates that this missense variant is expected to disrupt AGL protein function. In summary, the available evidence is currently insufficient to determine the role of this variant in disease. Therefore, it has been classified as a Variant of Uncertain Significance.